The following is an entry in ClinVar:

NM_015102.5(NPHP4):c.815G>A (p.Cys272Tyr)

Gene: NPHP4 (nephrocystin 4; minus strand). Cytogenetic location: 1p36.31.
Variant type: single nucleotide variant.
Coding change: c.815G>A on transcript NM_015102.5 (MANE Select); coding-DNA position 815, G replaced by A.
Protein change: p.Cys272Tyr; replaces cysteine 272 with tyrosine.
Molecular consequence: missense variant. On other transcripts: 5 prime UTR variant (2), non-coding transcript variant (1).
Genome position (GRCh38, 1-based): chr1:5,948,247, C>T on the plus strand (G>A on the coding strand, the complement: NPHP4 is on the minus strand). VCF-style: chr1-5948247-C-T. GRCh37 (hg19) VCF-style: chr1-6008307-C-T.
Other names: c.-552G>A (NM_001291593.2, NM_001291594.2); short protein forms C272Y.
Identifiers: ClinVar variation 1431884 (VCV001431884.9), dbSNP rs1349348418, ClinGen allele CA338065438.
Genomic context (GRCh38, chr1:5,948,247, plus strand): 5'-TGCACGCCCACACGCAGGCGCCGCTCCAGGATCTCCAGGGCACCACCGTCCAGTGGGCCA[C>T]ATCCCTGGAAGAGGCACAGAAGGAATGAGCCCCGGCACAGACGGAAAGAGGGAGCTCGCC-3'
Protein context (NP_055917.1, residues 262-282): LHVQDHFQEG[Cys272Tyr]GPLDGGALEI

ClinVar aggregate classification (germline): Uncertain significance. Review status: criteria provided, multiple submitters, no conflicts (2 of 4 stars). 2 submissions from 2 submitters: Uncertain significance (2). Last evaluated 2022-07-12.

Conditions:
Nephronophthisis. Also called: Juvenile Nephronophthisis. Identifiers: Orphanet 655, MedGen C0687120, MONDO:0019005, HP:0000090.
Nephronophthisis 4 (NPHP4). Also called: NEPHRONOPHTHISIS 4, JUVENILE. Identifiers: Orphanet 655, MedGen C1847013, MONDO:0011752, OMIM 606966.
Senior-Loken syndrome 4 (SLSN4). Identifiers: Orphanet 3156, MedGen C1846979, MONDO:0011756, OMIM 606996.

Allele frequency attached by ClinVar (database versions not stated): TOPMed below 0.00001; gnomAD 0.00001; gnomAD exomes 0.00001.
gnomAD v4.1: 2 of 1,563,616 alleles (0.00013%); highest among the groups gnomAD compares: Admixed American, 0.0038%; no homozygotes.

Submissions (2):

Labcorp Genetics (formerly Invitae), Labcorp
Classification: Uncertain significance for Nephronophthisis. Last evaluated: 2022-07-12. Review status: criteria provided, single submitter. Criteria: Invitae Variant Classification Sherloc (09022015). Collection method: clinical testing. Allele origin: germline.
Comment: Algorithms developed to predict the effect of missense changes on protein structure and function (SIFT, PolyPhen-2, Align-GVGD) all suggest that this variant is likely to be tolerated. In summary, the available evidence is currently insufficient to determine the role of this variant in disease. Therefore, it has been classified as a Variant of Uncertain Significance. ClinVar contains an entry for this variant (Variation ID: 1431884). This variant has not been reported in the literature in individuals affected with NPHP4-related conditions. This variant is present in population databases (no rsID available, gnomAD 0.004%). This sequence change replaces cysteine, which is neutral and slightly polar, with tyrosine, which is neutral and polar, at codon 272 of the NPHP4 protein (p.Cys272Tyr).

Fulgent Genetics
Classification: Uncertain significance for Nephronophthisis 4; Senior-Loken syndrome 4. Last evaluated: 2022-03-25. Review status: criteria provided, single submitter. Criteria: ACMG Guidelines, 2015. Collection method: clinical testing. Allele origin: unknown.